The following is an entry in ClinVar:

ClinVar aggregate classification (germline): Uncertain significance (1 of 4 stars; one submission).

Conditions:
Inborn genetic diseases. Identifiers: MedGen C0950123, MeSH D030342.

Submission:

Ambry Genetics
Classification: Uncertain significance for Inborn genetic diseases. Last evaluated: 2025-04-11. Review status: criteria provided, single submitter. Criteria: Ambry Variant Classification Scheme 2023. Collection method: clinical testing. Allele origin: germline.
Comment: The p.M189L variant (also known as c.565A>C), located in coding exon 4 of the MECOM gene, results from an A to C substitution at nucleotide position 565. The methionine at codon 189 is replaced by leucine, an amino acid with highly similar properties. This amino acid position is conserved. In addition, this alteration is predicted to be deleterious by in silico analysis. Based on the available evidence, the clinical significance of this variant remains unclear.

NM_004991.4(MECOM):c.565A>C (p.Met189Leu)

Gene: MECOM (MDS1 and EVI1 complex locus; minus strand). Cytogenetic location: 3q26.2.
Variant type: single nucleotide variant.
Coding change: c.565A>C on transcript NM_004991.4 (MANE Select); coding-DNA position 565, A replaced by C.
Protein change: p.Met189Leu; replaces methionine 189 with leucine.
Molecular consequence: missense variant. On other transcripts: initiator codon variant (12).
Genome position (GRCh38, 1-based): chr3:169,131,477, T>G on the plus strand (A>C on the coding strand, the complement: MECOM is on the minus strand). VCF-style: chr3-169131477-T-G. GRCh37 (hg19) VCF-style: chr3-168849265-T-G.
Other names: c.193A>C, p.Met65Leu (NM_001105077.4); c.1A>C, p.Met1Leu (NM_001105078.4, NM_001163999.2, NM_001164000.2 and 9 more transcripts); c.565A>C, p.Met189Leu (NM_001366466.2, NM_001366473.2); short protein forms M1L, M65L, M189L.
Identifiers: ClinVar variation 4053172 (VCV004053172.1).